The following is an entry in ClinVar:

NM_021930.6(RINT1):c.462G>T (p.Glu154Asp)

Gene: RINT1 (RAD50 interactor 1; plus strand). Cytogenetic location: 7q22.3.
Variant type: single nucleotide variant.
Coding change: c.462G>T on transcript NM_021930.6 (MANE Select); coding-DNA position 462, G replaced by T.
Protein change: p.Glu154Asp; replaces glutamic acid 154 with aspartic acid.
Molecular consequence: missense variant. On other transcripts: 5 prime UTR variant (3), non-coding transcript variant (1).
Genome position (GRCh38, 1-based): chr7:105,542,596, G>T. VCF-style: chr7-105542596-G-T. GRCh37 (hg19) VCF-style: chr7-105183043-G-T.
Other names: c.228G>T, p.Glu76Asp (NM_001346599.2); c.-558G>T (NM_001346600.2); c.-461G>T (NM_001346601.2); c.-81G>T (NM_001346603.2); short protein forms E154D, E76D.
Identifiers: ClinVar variation 2563343 (VCV002563343.3), dbSNP rs2133373868, ClinGen allele CA368803791.

ClinVar aggregate classification (germline): Uncertain significance (1 of 4 stars; one submission).

gnomAD v4.1: 1 of 1,614,068 alleles (0.000062%); no homozygotes.

Submission:

Ambry Genetics
Classification: Uncertain significance. Last evaluated: 2025-04-12. Review status: criteria provided, single submitter. Criteria: Ambry Variant Classification Scheme 2023. Collection method: clinical testing. Allele origin: germline.
Comment: The p.E154D variant (also known as c.462G>T), located in coding exon 4 of the RINT1 gene, results from a G to T substitution at nucleotide position 462. The glutamic acid at codon 154 is replaced by aspartic acid, an amino acid with highly similar properties. This amino acid position is conserved. In addition, this alteration is predicted to be tolerated by in silico analysis. Since supporting evidence is limited at this time, the clinical significance of this alteration remains unclear.